The following is an entry in ClinVar:

ClinVar aggregate classification (germline): Likely benign. Review status: criteria provided, multiple submitters, no conflicts (2 of 4 stars). 3 submissions from 3 submitters: Likely benign (2). 1 of the submissions does not count toward it. Last evaluated 2023-04-01.

Conditions:
RAI1-related disorder. Also called: RAI1-related condition.

Allele frequency attached by ClinVar (database versions not stated): gnomAD 0.00001; ExAC 0.00002; TOPMed 0.00002.
gnomAD v4.1: 23 of 1,613,142 alleles (0.0014%); highest among the groups gnomAD compares: South Asian, 0.0055%; no homozygotes.

Submissions (3):

CeGaT Center for Human Genetics Tuebingen
Classification: Likely benign. Last evaluated: 2023-04-01. Review status: criteria provided, single submitter. Criteria: CeGaT Center For Human Genetics Tuebingen Variant Classification Criteria Version 2. Collection method: clinical testing. Allele origin: germline. Affected: yes. Observed: 1 variant allele.
Comment: RAI1: BP4, BP7

Blueprint Genetics
Classification: Likely benign. Last evaluated: 2022-11-15. Review status: criteria provided, single submitter. Criteria: ACMG Guidelines, 2015. Collection method: clinical testing. Allele origin: germline.

PreventionGenetics, part of Exact Sciences
Classification: Likely benign for RAI1-related condition. Last evaluated: 2024-04-05. Review status: no assertion criteria provided. Collection method: clinical testing. Allele origin: germline. Not counted in ClinVar's aggregate classification.
Comment: This variant is classified as likely benign based on ACMG/AMP sequence variant interpretation guidelines (Richards et al. 2015 PMID: 25741868, with internal and published modifications).

NM_030665.4(RAI1):c.4533G>A (p.Pro1511=)

Gene: RAI1 (retinoic acid induced 1; plus strand). Cytogenetic location: 17p11.2.
Variant type: single nucleotide variant.
Coding change: c.4533G>A on transcript NM_030665.4 (MANE Select); coding-DNA position 4533, G replaced by A.
Protein change: p.Pro1511=; no amino-acid change (proline 1511 retained).
Molecular consequence: synonymous variant.
Genome position (GRCh38, 1-based): chr17:17,797,481, G>A. VCF-style: chr17-17797481-G-A. GRCh37 (hg19) VCF-style: chr17-17700795-G-A.
Other names: c.4533G>A (NM_030665.3).
Identifiers: ClinVar variation 2647524 (VCV002647524.25), dbSNP rs775569350, ClinGen allele CA8418974.